The following is an entry in ClinVar:

NM_003640.5(ELP1):c.1656G>A (p.Ala552=)

Gene: ELP1 (elongator acetyltransferase complex subunit 1; minus strand). Cytogenetic location: 9q31.3.
Variant type: single nucleotide variant.
Coding change: c.1656G>A on transcript NM_003640.5 (MANE Select); coding-DNA position 1656, G replaced by A.
Protein change: p.Ala552=; no amino-acid change (alanine 552 retained).
Molecular consequence: synonymous variant.
Genome position (GRCh38, 1-based): chr9:108,903,657, C>T on the plus strand (G>A on the coding strand, the complement: ELP1 is on the minus strand). VCF-style: chr9-108903657-C-T. GRCh37 (hg19) VCF-style: chr9-111665937-C-T.
Other names: c.1314G>A, p.Ala438= (NM_001318360.2); c.609G>A, p.Ala203= (NM_001330749.2); c.1656G>A (LRG_251t1).
Identifiers: ClinVar variation 455956 (VCV000455956.21), dbSNP rs200535861, ClinGen allele CA5174935.

ClinVar aggregate classification (germline): Likely benign. Review status: criteria provided, multiple submitters, no conflicts (2 of 4 stars). 3 submissions from 3 submitters: Likely benign (3). Last evaluated 2025-12-21.

Allele frequency attached by ClinVar (database versions not stated): gnomAD 0.00001 and 0.00003; gnomAD exomes 0.00001; ExAC 0.00002; TOPMed 0.00002; 1000 Genomes Project 30x 0.00016; 1000 Genomes Project 0.00020.
gnomAD v4.1: 47 of 1,613,436 alleles (0.0029%); highest among the groups gnomAD compares: African/African-American, 0.0067%; no homozygotes.

Submissions (3):

Labcorp Genetics (formerly Invitae), Labcorp
Classification: Likely benign. Last evaluated: 2025-12-21. Review status: criteria provided, single submitter. Criteria: Invitae Variant Classification Sherloc (09022015). Collection method: clinical testing. Allele origin: germline.

CeGaT Center for Human Genetics Tuebingen
Classification: Likely benign. Last evaluated: 2025-09-01. Review status: criteria provided, single submitter. Criteria: CeGaT Center For Human Genetics Tuebingen Variant Classification Criteria Version 2. Collection method: clinical testing. Allele origin: germline. Affected: yes. Observed: 1 variant allele.
Comment: ELP1: BP4, BP7

Ambry Genetics
Classification: Likely benign. Last evaluated: 2019-07-11. Review status: criteria provided, single submitter. Criteria: Ambry Variant Classification Scheme 2023. Collection method: clinical testing. Allele origin: germline.